The following is an entry in ClinVar:

ClinVar aggregate classification (germline): Uncertain significance. Review status: criteria provided, multiple submitters, no conflicts (2 of 4 stars). 2 submissions from 2 submitters: Uncertain significance (2). Last evaluated 2025-01-24.

Conditions:
Joubert syndrome 15 (JBTS15). Identifiers: Orphanet 475, MedGen C3280897, MONDO:0013763, OMIM 614464.
Inborn genetic diseases. Identifiers: MedGen C0950123, MeSH D030342.

Allele frequency attached by ClinVar (database versions not stated): gnomAD exomes below 0.00001; ExAC 0.00001; gnomAD 0.00001; TOPMed 0.00001.
gnomAD v4.1: 8 of 1,613,840 alleles (0.0005%); highest among the groups gnomAD compares: Non-Finnish European, 0.00068%; no homozygotes.

Submissions (2):

Ambry Genetics
Classification: Uncertain significance for Inborn genetic diseases. Last evaluated: 2025-01-24. Review status: criteria provided, single submitter. Criteria: Ambry Variant Classification Scheme 2023. Collection method: clinical testing. Allele origin: germline.

Labcorp Genetics (formerly Invitae), Labcorp
Classification: Uncertain significance for Joubert syndrome 15. Last evaluated: 2021-05-10. Review status: criteria provided, single submitter. Criteria: Invitae Variant Classification Sherloc (09022015). Collection method: clinical testing. Allele origin: germline.
Comment: This variant is present in population databases (rs782815662, ExAC 0.001%). This sequence change replaces glutamine with glutamic acid at codon 276 of the CEP41 protein (p.Gln276Glu). The glutamine residue is moderately conserved and there is a small physicochemical difference between glutamine and glutamic acid. This variant has not been reported in the literature in individuals with CEP41-related conditions. Algorithms developed to predict the effect of missense changes on protein structure and function (SIFT, PolyPhen-2, Align-GVGD) all suggest that this variant is likely to be tolerated, but these predictions have not been confirmed by published functional studies and their clinical significance is uncertain. In summary, the available evidence is currently insufficient to determine the role of this variant in disease. Therefore, it has been classified as a Variant of Uncertain Significance.

NM_018718.3(CEP41):c.826C>G (p.Gln276Glu)

Gene: CEP41 (centrosomal protein 41; minus strand). Cytogenetic location: 7q32.2.
Variant type: single nucleotide variant.
Coding change: c.826C>G on transcript NM_018718.3 (MANE Select); coding-DNA position 826, C replaced by G.
Protein change: p.Gln276Glu; replaces glutamine 276 with glutamic acid.
Molecular consequence: missense variant. On other transcripts: non-coding transcript variant (1), intron variant (2).
Genome position (GRCh38, 1-based): chr7:130,400,186, G>C on the plus strand (C>G on the coding strand, the complement: CEP41 is on the minus strand). VCF-style: chr7-130400186-G-C. GRCh37 (hg19) VCF-style: chr7-130040027-G-C.
Other names: c.826C>G (NM_018718.1); c.709+521C>G (NM_001257159.2); c.757+521C>G (NM_001257158.2); short protein forms Q276E.
Identifiers: ClinVar variation 1405278 (VCV001405278.9), dbSNP rs782815662, ClinGen allele CA4485453.
Genomic context (GRCh38, chr7:130,400,186, plus strand): 5'-CTGGTAGGGGTGGCCCTTTGGGGCTGGATCGTTTCCGGGCAGACCCAGGAGGAAGGGCCT[G>C]CTGGCAAGATGCTGGCAGGGAACCAGTAATCAGTCCTTCCGGGAATTTCTGAGCTAAGAC-3'
Protein context (NP_061188.1, residues 266-286): ITGSLPASCQ[Gln276Glu]ALPPGSARKR